The following is an entry in ClinVar:

NM_001080517.3(SETD5):c.626G>A (p.Arg209Gln)

Gene: SETD5 (SET domain containing 5; plus strand). Cytogenetic location: 3p25.3.
Variant type: single nucleotide variant.
Coding change: c.626G>A on transcript NM_001080517.3 (MANE Select); coding-DNA position 626, G replaced by A.
Protein change: p.Arg209Gln; replaces arginine 209 with glutamine.
Molecular consequence: missense variant.
Genome position (GRCh38, 1-based): chr3:9,440,514, G>A. VCF-style: chr3-9440514-G-A. GRCh37 (hg19) VCF-style: chr3-9482198-G-A.
Other names: c.626G>A (NM_001080517.1); c.332G>A, p.Arg111Gln (NM_001292043.2, NM_001349451.2); short protein forms R111Q, R209Q.
Identifiers: ClinVar variation 2869189 (VCV002869189.4), dbSNP rs762464339, ClinGen allele CA69958495.
Genomic context (GRCh38, chr3:9,440,514, plus strand): 5'-AGAATTCTCCCTCTGAAGCACAGAATTTAGATGAGAATACAACTGAGGGCTGGGAAAATC[G>A]GATAAGACTATGGACTGACCAGTATGAAGAAGCTTTCACTAATCAGTACAGTGCAGATGT-3'
Protein context (NP_001073986.1, residues 199-219): DENTTEGWEN[Arg209Gln]IRLWTDQYEE

ClinVar aggregate classification (germline): Conflicting classifications of pathogenicity. Review status: criteria provided, conflicting classifications (1 of 4 stars). 2 submissions from 2 submitters: Uncertain significance (1); Likely benign (1). Last evaluated 2024-10-29.

Conditions:
Inborn genetic diseases. Identifiers: MedGen C0950123, MeSH D030342.

Allele frequency attached by ClinVar (database versions not stated): TOPMed below 0.00001; gnomAD exomes 0.00001.
gnomAD v4.1: 9 of 1,612,794 alleles (0.00056%); highest among the groups gnomAD compares: Admixed American, 0.0017%; no homozygotes.

Submissions (2):

Ambry Genetics
Classification: Likely benign for Inborn genetic diseases. Last evaluated: 2024-10-29. Review status: criteria provided, single submitter. Criteria: Ambry Variant Classification Scheme 2023. Collection method: clinical testing. Allele origin: germline.

Labcorp Genetics (formerly Invitae), Labcorp
Classification: Uncertain significance. Last evaluated: 2023-07-30. Review status: criteria provided, single submitter. Criteria: Invitae Variant Classification Sherloc (09022015). Collection method: clinical testing. Allele origin: germline.
Comment: In summary, the available evidence is currently insufficient to determine the role of this variant in disease. Therefore, it has been classified as a Variant of Uncertain Significance. Advanced modeling of protein sequence and biophysical properties (such as structural, functional, and spatial information, amino acid conservation, physicochemical variation, residue mobility, and thermodynamic stability) has been performed at Invitae for this missense variant, however the output from this modeling did not meet the statistical confidence thresholds required to predict the impact of this variant on SETD5 protein function. This variant has not been reported in the literature in individuals affected with SETD5-related conditions. This variant is present in population databases (rs762464339, gnomAD 0.003%). This sequence change replaces arginine, which is basic and polar, with glutamine, which is neutral and polar, at codon 209 of the SETD5 protein (p.Arg209Gln).